The following is an entry in ClinVar:

ClinVar aggregate classification (germline): Benign. Review status: criteria provided, multiple submitters, no conflicts (2 of 4 stars). 3 submissions from 3 submitters: Benign (3). Last evaluated 2025-10-27.

Conditions:
Cataract 39 multiple types. Also called: Cataract 39, multiple types, autosomal dominant. Identifiers: Orphanet 91492, MedGen C3808800, MONDO:0014075, OMIM 615188.

Allele frequency attached by ClinVar (database versions not stated): 1000 Genomes Project 30x 0.22720; 1000 Genomes Project 0.22724; TOPMed 0.28652; ESP Exome Variant Server 0.31770; gnomAD exomes 0.38092.

Submissions (3):

Labcorp Genetics (formerly Invitae), Labcorp
Classification: Benign for Cataract 39 multiple types. Last evaluated: 2025-10-27. Review status: criteria provided, single submitter. Criteria: Invitae Variant Classification Sherloc (09022015). Collection method: clinical testing. Allele origin: germline.

GeneDx
Classification: Benign. Last evaluated: 2018-06-29. Review status: criteria provided, single submitter. Criteria: GeneDx Variant Classification Process June 2021. Collection method: clinical testing. Allele origin: germline. Affected: yes.
Comment: This variant is associated with the following publications: (PMID: 26552302, 21941057)

Breakthrough Genomics
Classification: Benign. Review status: criteria provided, single submitter. Criteria: ACMG Guidelines, 2015. Collection method: not provided. Allele origin: germline. Inheritance: Autosomal dominant inheritance. Affected: yes.

NC_000002.12:g.208146167G>A

Genes: CRYGB (crystallin gamma B; minus strand), LOC100507443 (uncharacterized LOC100507443; plus strand). Cytogenetic location: 2q33.3.
Variant type: single nucleotide variant.
Genome position: GRCh38 VCF-style: chr2-208146167-G-A. GRCh37 (hg19) VCF-style: chr2-209010891-G-A.
Identifiers: ClinVar variation 1170763 (VCV001170763.13), dbSNP rs2289917, ClinGen allele CA2078215.